The following is an entry in ClinVar:

NM_007294.4(BRCA1):c.2504A>T (p.His835Leu)

Gene: BRCA1 (BRCA1 DNA repair associated; minus strand). Cytogenetic location: 17q21.31.
Variant type: single nucleotide variant.
Coding change: c.2504A>T on transcript NM_007294.4 (MANE Select); coding-DNA position 2504, A replaced by T.
Protein change: p.His835Leu; replaces histidine 835 with leucine.
Molecular consequence: missense variant. On other transcripts: intron variant (137).
Genome position (GRCh38, 1-based): chr17:43,093,027, T>A on the plus strand (A>T on the coding strand, the complement: BRCA1 is on the minus strand). VCF-style: chr17-43093027-T-A. GRCh37 (hg19) VCF-style: chr17-41245044-T-A.
Other names: c.2294A>T, p.His765Leu (NM_001407910.1, NM_001407909.1, NM_001407879.1 and 13 more transcripts); c.2291A>T, p.His764Leu (NM_001407915.1, NM_001407916.1, NM_001407917.1 and 9 more transcripts); c.2381A>T, p.His794Leu (NM_001407919.1, NM_001407648.1, NM_001407664.1 and 19 more transcripts); c.2240A>T, p.His747Leu (NM_001407920.1, NM_001407921.1, NM_001407922.1 and 9 more transcripts); c.2237A>T, p.His746Leu (NM_001407931.1, NM_001407930.1, NM_001407932.1 and 2 more transcripts); c.2504A>T, p.His835Leu (NM_001407581.1, NM_001407582.1, NM_001407583.1 and 30 more transcripts); c.2501A>T, p.His834Leu (NM_001407587.1, NM_001407590.1, NM_001407591.1 and 22 more transcripts); c.2495A>T, p.His832Leu (NM_001407646.1, NM_001407647.1); and 41 more; short protein forms H724L, H764L, H767L, H768L, H788L, H793L, H809L, H835L.
Identifiers: ClinVar variation 3634667 (VCV003634667.2).
Genomic context (GRCh38, chr17:43,093,027, plus strand): 5'-TGAGCATCAAGTTCACTTTCTTCCATTTCTATGCTTGTTTCCCGACTGTGGTTAACTTCA[T>A]GTCCCAATGGATACTTAAAGCCTTCTGTGTCATTTCTATTATCTTTGGAACAACCATGAA-3'
Protein context (NP_009225.1, residues 825-845): DTEGFKYPLG[His835Leu]EVNHSRETSI

ClinVar aggregate classification (germline): Uncertain significance (1 of 4 stars; one submission).

Conditions:
Hereditary breast ovarian cancer syndrome. Also called: Hereditary breast and ovarian cancer syndrome; Hereditary breast and ovarian cancer syndrome (HBOC); BRCA1- and BRCA2-Associated Hereditary Breast and Ovarian Cancer; Hereditary breast and ovarian cancer; Breast and ovarian cancer; Hereditary breast and/or ovarian cancer syndrome. Identifiers: Orphanet 145, MedGen C0677776, MeSH D061325, MONDO:0003582. Disease mechanism: loss of function.

Submission:

Labcorp Genetics (formerly Invitae), Labcorp
Classification: Uncertain significance for Hereditary breast ovarian cancer syndrome. Last evaluated: 2024-05-08. Review status: criteria provided, single submitter. Criteria: Invitae Variant Classification Sherloc (09022015). Collection method: clinical testing. Allele origin: germline.
Comment: This sequence change replaces histidine, which is basic and polar, with leucine, which is neutral and non-polar, at codon 835 of the BRCA1 protein (p.His835Leu). This variant is not present in population databases (gnomAD no frequency). This variant has not been reported in the literature in individuals affected with BRCA1-related conditions. Advanced modeling of protein sequence and biophysical properties (such as structural, functional, and spatial information, amino acid conservation, physicochemical variation, residue mobility, and thermodynamic stability) performed at Invitae indicates that this missense variant is not expected to disrupt BRCA1 protein function with a negative predictive value of 95%. In summary, the available evidence is currently insufficient to determine the role of this variant in disease. Therefore, it has been classified as a Variant of Uncertain Significance.